The following is an entry in ClinVar:

ClinVar aggregate classification (germline): Uncertain significance. Review status: criteria provided, multiple submitters, no conflicts (2 of 4 stars). 2 submissions from 2 submitters: Uncertain significance (2). Last evaluated 2025-03-06.

Conditions:
Cardiovascular phenotype. Identifiers: MedGen CN230736.

Allele frequency attached by ClinVar (database versions not stated): gnomAD 0.00001; gnomAD exomes 0.00001; TOPMed 0.00001; ExAC 0.00002; 1000 Genomes Project 30x 0.00016; 1000 Genomes Project 0.00020.
gnomAD v4.1: 4 of 1,614,142 alleles (0.00025%); highest among the groups gnomAD compares: East Asian, 0.0089%; no homozygotes.

Submissions (2):

Ambry Genetics
Classification: Uncertain significance for Cardiovascular phenotype. Last evaluated: 2025-03-06. Review status: criteria provided, single submitter. Criteria: Ambry Variant Classification Scheme 2023. Collection method: clinical testing. Allele origin: germline.
Comment: The p.S365F variant (also known as c.1094C>T), located in coding exon 7 of the LPL gene, results from a C to T substitution at nucleotide position 1094. The serine at codon 365 is replaced by phenylalanine, an amino acid with highly dissimilar properties. This variant was reported in individual(s) with features consistent with hypertriglyceridemia cohort (Chan LY et al. Hum Mutat, 2002 Sep;20:232-3). In an assay testing LPL function, this variant showed it may impact protein function (Chan LY et al. Hum Mutat, 2002 Sep;20:232-3). This amino acid position is highly conserved in available vertebrate species. In addition, this alteration is predicted to be deleterious by in silico analysis. Based on the available evidence, the clinical significance of this variant remains unclear.

Women's Health and Genetics/Laboratory Corporation of America, LabCorp
Classification: Uncertain significance. Last evaluated: 2023-09-12. Review status: criteria provided, single submitter. Criteria: LabCorp Variant Classification Summary - May 2015. Collection method: clinical testing. Allele origin: germline.
Comment: Variant summary: LPL c.1094C>T (p.Ser365Phe) results in a non-conservative amino acid change located in the PLAT/LH2 domain of the encoded protein sequence. Five of five in-silico tools predict a damaging effect of the variant on protein function. The variant allele was found at a frequency of 2e-05 in 251348 control chromosomes (gnomAD). The available data on variant occurrences in the general population are insufficient to allow any conclusion about variant significance. c.1094C>T has been reported in the literature in the heterozygous state in at least two individuals affected with Hypertriglyceridemia, without strong evidence for causality (e.g. Chan_2002, Rodrigues_2016, Dron_2020). Therefore, these reports do not provide unequivocal conclusions about association of the variant with Hypertriglyceridemia. At least one publication reports experimental evidence evaluating an impact on protein function in vitro (Chan_2002). These results showed no damaging effect of this variant on LPL enzyme activity, and instead found it resulted in an increased specific activity in comparison to the wild type protein, with only a mild effect on secretion. The following publications have been ascertained in the context of this evaluation (PMID: 12204001, 32041611, 27055971). No submitters have cited clinical-significance assessments for this variant to ClinVar after 2014. Based on the evidence outlined above, the variant was classified as uncertain significance.

Literature cited by the submitters: PubMed 12204001 (cited by Ambry Genetics and Women's Health and Genetics/Laboratory Corporation of America, LabCorp); PubMed 27055971 (cited by Women's Health and Genetics/Laboratory Corporation of America, LabCorp); PubMed 32041611 (cited by Women's Health and Genetics/Laboratory Corporation of America, LabCorp).

NM_000237.3(LPL):c.1094C>T (p.Ser365Phe)

Gene: LPL (lipoprotein lipase; plus strand). Cytogenetic location: 8p21.3.
Variant type: single nucleotide variant.
Coding change: c.1094C>T on transcript NM_000237.3 (MANE Select); coding-DNA position 1094, C replaced by T.
Protein change: p.Ser365Phe; replaces serine 365 with phenylalanine.
Molecular consequence: missense variant.
Genome position (GRCh38, 1-based): chr8:19,959,335, C>T. VCF-style: chr8-19959335-C-T. GRCh37 (hg19) VCF-style: chr8-19816846-C-T.
Other names: short protein forms S365F.
Identifiers: ClinVar variation 2627200 (VCV002627200.2), dbSNP rs546542623, ClinGen allele CA4655606.